The following is an entry in ClinVar:

NM_007294.4(BRCA1):c.5332+6_5332+7del

Gene: BRCA1 (BRCA1 DNA repair associated; minus strand). Cytogenetic location: 17q21.31.
Variant type: Microsatellite.
Coding change: c.5332+6_5332+7del on transcript NM_007294.4 (MANE Select); bases 6 to 7 of the intron after coding-DNA position 5332, 2 bases deleted (AG; older notation c.5332+6_5332+7delAG).
Molecular consequence: intron variant.
Genome position (GRCh38, 1-based): chr17:43,051,056-43,051,057, CT deleted on the plus strand (AG on the coding strand, the reverse complement: BRCA1 is on the minus strand); deleting any 2 consecutive bases within chr17:43,051,056-43,051,059 gives the same sequence; the c. name uses the placement nearest the transcript's 3' end. VCF-style (leftmost placement, unchanged base first): chr17-43051055-GCT-G. GRCh37 (hg19) VCF-style: chr17-41203072-GCT-G.
Other names: c.1894+6_1894+7del (NM_001408447.1, NM_001408446.1, NM_001408448.1 and 2 more transcripts); c.1897+6_1897+7del (NM_001408433.1, NM_001408441.1, NM_001408437.1 and 10 more transcripts); c.5200+6_5200+7del (NM_001407690.1, NM_001407691.1); c.5203+6_5203+7del (NM_001407687.1, NM_001407941.1, NM_001407683.1 and 6 more transcripts); c.5206+6_5206+7del (NM_001407673.1, NM_001407674.1, NM_001407939.1 and 10 more transcripts); c.2017+6_2017+7del (NM_001408400.1, NM_001408392.1, NM_001408397.1 and 8 more transcripts); c.2020+6_2020+7del (NM_001407986.1, NM_001407979.1, NM_001407982.1 and 12 more transcripts); c.2086+6_2086+7del (NM_001407972.1); and 74 more.
Identifiers: ClinVar variation 2700707 (VCV002700707.3), dbSNP rs2547482909, ClinGen allele CA2697559963.

ClinVar aggregate classification (germline): Uncertain significance (1 of 4 stars; one submission).

Conditions:
Hereditary breast ovarian cancer syndrome. Also called: BRCA1- and BRCA2-Associated Hereditary Breast and Ovarian Cancer; Hereditary breast and ovarian cancer; Hereditary breast and ovarian cancer syndrome (HBOC); Hereditary breast and ovarian cancer syndrome; Hereditary breast and/or ovarian cancer syndrome; Breast and ovarian cancer. Identifiers: Orphanet 145, MedGen C0677776, MeSH D061325, MONDO:0003582. Disease mechanism: loss of function.

Submission:

Labcorp Genetics (formerly Invitae), Labcorp
Classification: Uncertain significance for Hereditary breast ovarian cancer syndrome. Last evaluated: 2023-12-05. Review status: criteria provided, single submitter. Criteria: Invitae Variant Classification Sherloc (09022015). Collection method: clinical testing. Allele origin: germline.
Comment: This sequence change falls in intron 20 of the BRCA1 gene. It does not directly change the encoded amino acid sequence of the BRCA1 protein. It affects a nucleotide within the consensus splice site. This variant is not present in population databases (gnomAD no frequency). This variant has not been reported in the literature in individuals affected with BRCA1-related conditions. Variants that disrupt the consensus splice site are a relatively common cause of aberrant splicing (PMID: 17576681, 9536098). Algorithms developed to predict the effect of sequence changes on RNA splicing suggest that this variant is not likely to affect RNA splicing. In summary, the available evidence is currently insufficient to determine the role of this variant in disease. Therefore, it has been classified as a Variant of Uncertain Significance.

Literature cited by the submitters: PubMed 17576681; PubMed 9536098.